The following is an entry in ClinVar:

ClinVar aggregate classification (germline): Uncertain significance (1 of 4 stars; one submission).

Conditions:
Hereditary cancer-predisposing syndrome. Also called: Tumor predisposition; Neoplastic Syndromes, Hereditary; Hereditary neoplastic syndrome; Hereditary Cancer Syndrome. Identifiers: Orphanet 140162, MedGen C0027672, MeSH D009386, MONDO:0015356.

Submission:

Ambry Genetics
Classification: Uncertain significance for Hereditary cancer-predisposing syndrome. Last evaluated: 2025-08-27. Review status: criteria provided, single submitter. Criteria: Ambry Variant Classification Scheme 2023. Collection method: clinical testing. Allele origin: germline.
Comment: The p.H39Q variant (also known as c.117T>A), located in coding exon 2 of the MUTYH gene, results from a T to A substitution at nucleotide position 117. The histidine at codon 39 is replaced by glutamine, an amino acid with highly similar properties. This amino acid position is conserved. In addition, this alteration is predicted to be tolerated by in silico analysis. Based on the available evidence, the clinical significance of this variant remains unclear.

NM_001048174.2(MUTYH):c.75T>A (p.His25Gln)

Gene: MUTYH (mutY DNA glycosylase; minus strand). Cytogenetic location: 1p34.1.
Variant type: single nucleotide variant.
Coding change: c.75T>A on transcript NM_001048174.2 (MANE Select); coding-DNA position 75, T replaced by A.
Protein change: p.His25Gln; replaces histidine 25 with glutamine.
Molecular consequence: missense variant. On other transcripts: 5 prime UTR variant (7), non-coding transcript variant (7).
Genome position (GRCh38, 1-based): chr1:45,334,431, A>T on the plus strand (T>A on the coding strand, the complement: MUTYH is on the minus strand). VCF-style: chr1-45334431-A-T. GRCh37 (hg19) VCF-style: chr1-45800103-A-T.
Other names: c.75T>A, p.His25Gln (NM_001293191.2, NM_001293195.2, NM_001407070.1 and 15 more transcripts); c.-138T>A (NM_001293192.2, NM_001293196.2, NM_001407091.1); c.-197T>A (NM_001350650.2); c.-133T>A (NM_001350651.2, NM_001407082.1); c.117T>A, p.His39Gln (NM_001407069.1, NM_001407073.1, NM_001128425.2 and 2 more transcripts); c.-82T>A (NM_001407075.1); c.93T>A, p.His31Gln (NM_001407087.1); short protein forms H39Q, H31Q, H25Q.
Identifiers: ClinVar variation 4113077 (VCV004113077.1).